The following is an entry in ClinVar:

NM_021097.5(SLC8A1):c.1915+561G>A

Genes: SLC8A1 (solute carrier family 8 member A1; minus strand), SLC8A1-AS1 (SLC8A1 antisense RNA 1; plus strand). Cytogenetic location: 2p22.1.
Variant type: single nucleotide variant.
Coding change: c.1915+561G>A on transcript NM_021097.5 (MANE Select); 561 bases into the intron after coding-DNA position 1915, G replaced by A.
Molecular consequence: intron variant. On other transcripts: missense variant (8).
Genome position (GRCh38, 1-based): chr2:40,177,826, C>T on the plus strand (G>A on the coding strand, the complement: SLC8A1 is on the minus strand). VCF-style: chr2-40177826-C-T. GRCh37 (hg19) VCF-style: chr2-40404966-C-T.
Other names: c.1838G>A, p.Arg613His (NM_001112801.3, NM_001112802.2, NM_001252624.2 and 5 more transcripts); c.1915+561G>A (NM_001372263.2, NM_001394103.1, NM_001351490.2 and 11 more transcripts); short protein forms R613H.
Identifiers: ClinVar variation 2650849 (VCV002650849.24), dbSNP rs5556, ClinGen allele CA1627488.

ClinVar aggregate classification (germline): Likely benign (1 of 4 stars; one submission).

Allele frequency attached by ClinVar (database versions not stated): 1000 Genomes Project 30x 0.00172; 1000 Genomes Project 0.00200; ExAC 0.00356; ESP Exome Variant Server 0.00613.
gnomAD v4.1: 8,255 of 1,550,724 alleles (0.53%); highest among the groups gnomAD compares: Non-Finnish European, 0.62%; 24 homozygotes.

Submission:

CeGaT Center for Human Genetics Tuebingen
Classification: Likely benign. Last evaluated: 2022-08-01. Review status: criteria provided, single submitter. Criteria: CeGaT Center For Human Genetics Tuebingen Variant Classification Criteria Version 2. Collection method: clinical testing. Allele origin: germline. Affected: yes. Observed: 2 variant alleles.
Comment: SLC8A1: BP4, BS2